The following is an entry in ClinVar:

ClinVar aggregate classification (germline): Uncertain significance (1 of 4 stars; one submission).

gnomAD v4.1: 7 of 1,614,194 alleles (0.00043%); highest among the groups gnomAD compares: Non-Finnish European, 0.00059%; no homozygotes.

Submission:

Labcorp Genetics (formerly Invitae), Labcorp
Classification: Uncertain significance. Last evaluated: 2021-12-02. Review status: criteria provided, single submitter. Criteria: Invitae Variant Classification Sherloc (09022015). Collection method: clinical testing. Allele origin: germline.
Comment: In summary, the available evidence is currently insufficient to determine the role of this variant in disease. Therefore, it has been classified as a Variant of Uncertain Significance. Algorithms developed to predict the effect of missense changes on protein structure and function are either unavailable or do not agree on the potential impact of this missense change (SIFT: "Deleterious"; PolyPhen-2: "Probably Damaging"; Align-GVGD: "Class C0"). This variant has not been reported in the literature in individuals affected with NDUFB8-related conditions. This variant is not present in population databases (gnomAD no frequency). This sequence change replaces arginine, which is basic and polar, with serine, which is neutral and polar, at codon 98 of the NDUFB8 protein (p.Arg98Ser).

NM_005004.4(NDUFB8):c.294G>T (p.Arg98Ser)

Gene: NDUFB8 (NADH:ubiquinone oxidoreductase subunit B8; minus strand). Cytogenetic location: 10q24.31.
Variant type: single nucleotide variant.
Coding change: c.294G>T on transcript NM_005004.4 (MANE Select); coding-DNA position 294, G replaced by T.
Protein change: p.Arg98Ser; replaces arginine 98 with serine.
Molecular consequence: missense variant.
Genome position (GRCh38, 1-based): chr10:100,526,993, C>A on the plus strand (G>T on the coding strand, the complement: NDUFB8 is on the minus strand). VCF-style: chr10-100526993-C-A. GRCh37 (hg19) VCF-style: chr10-102286750-C-A.
Other names: c.294G>T, p.Arg98Ser (NM_001284367.2); c.201G>T, p.Arg67Ser (NM_001284368.1); short protein forms R67S, R98S.
Identifiers: ClinVar variation 1356898 (VCV001356898.8), dbSNP rs2133711462, ClinGen allele CA378176008.
Genomic context (GRCh38, chr10:100,526,993, plus strand): 5'-ACAAAGAGAGAAGGAAGGTCAAATGAGATATGGTTCTCTTACCGGTTCACCCCAGTTCAA[C>A]CTCAGGCCCGGCTGGTCCCAGCTATACCATGGATCTCTCTCATGCTGTGAGCGGTCAGGG-3'
Protein context (NP_004995.1, residues 88-108): PWYSWDQPGL[Arg98Ser]LNWGEPMHWH